The following is an entry in ClinVar:

ClinVar aggregate classification (germline): Uncertain significance. Review status: criteria provided, multiple submitters, no conflicts (2 of 4 stars). 2 submissions from 2 submitters: Uncertain significance (2). Last evaluated 2026-07-15.

Conditions:
NLRP1-related disorder. Also called: NLRP1-related condition.

Allele frequency attached by ClinVar (database versions not stated): gnomAD exomes below 0.00001.
gnomAD v4.1: 4 of 1,614,232 alleles (0.00025%); highest among the groups gnomAD compares: South Asian, 0.0033%; 1 homozygote.

Submissions (2):

PreventionGenetics, part of Exact Sciences
Classification: Uncertain significance for NLRP1-related condition. Last evaluated: 2026-07-15. Review status: criteria provided, single submitter. Criteria: ACMG Guidelines, 2015. Collection method: clinical testing. Allele origin: germline.
Comment: The NLRP1 c.1025C>T variant is predicted to result in the amino acid substitution p.Thr342Ile. To our knowledge, this variant has not been reported in the literature or in a large population database (gnomAD), indicating this variant is rare. At this time, the clinical significance of this variant is uncertain due to the absence of conclusive functional and genetic evidence.

Labcorp Genetics (formerly Invitae), Labcorp
Classification: Uncertain significance. Last evaluated: 2022-06-03. Review status: criteria provided, single submitter. Criteria: Invitae Variant Classification Sherloc (09022015). Collection method: clinical testing. Allele origin: germline.
Comment: In summary, the available evidence is currently insufficient to determine the role of this variant in disease. Therefore, it has been classified as a Variant of Uncertain Significance. Algorithms developed to predict the effect of missense changes on protein structure and function output the following: SIFT: "Deleterious"; PolyPhen-2: "Probably Damaging"; Align-GVGD: "Class C65". The isoleucine amino acid residue is found in multiple mammalian species, which suggests that this missense change does not adversely affect protein function. ClinVar contains an entry for this variant (Variation ID: 1382256). This variant has not been reported in the literature in individuals affected with NLRP1-related conditions. This variant is not present in population databases (gnomAD no frequency). This sequence change replaces threonine, which is neutral and polar, with isoleucine, which is neutral and non-polar, at codon 342 of the NLRP1 protein (p.Thr342Ile).

NM_033004.4(NLRP1):c.1025C>T (p.Thr342Ile)

Gene: NLRP1 (NLR family pyrin domain containing 1; minus strand). Cytogenetic location: 17p13.2.
Variant type: single nucleotide variant.
Coding change: c.1025C>T on transcript NM_033004.4 (MANE Select); coding-DNA position 1025, C replaced by T.
Protein change: p.Thr342Ile; replaces threonine 342 with isoleucine.
Molecular consequence: missense variant.
Genome position (GRCh38, 1-based): chr17:5,559,671, G>A on the plus strand (C>T on the coding strand, the complement: NLRP1 is on the minus strand). VCF-style: chr17-5559671-G-A. GRCh37 (hg19) VCF-style: chr17-5462991-G-A.
Other names: c.1025C>T, p.Thr342Ile (NM_001033053.3, NM_014922.5, NM_033006.4 and 1 more transcripts); c.1025C>T (NM_033004.3); short protein forms T342I.
Identifiers: ClinVar variation 1382256 (VCV001382256.7), dbSNP rs1597460301, ClinGen allele CA397387253.